The following is an entry in ClinVar:

ClinVar aggregate classification (germline): Uncertain significance (1 of 4 stars; one submission).

Conditions:
Norman-Roberts syndrome (LIS2). Also called: Lissencephaly 2 (Norman-Roberts type). Identifiers: Orphanet 89844, MedGen C0796089, MONDO:0009760, OMIM 257320.
Familial temporal lobe epilepsy 7. Identifiers: Orphanet 101046, MedGen C4225327, MONDO:0014639, OMIM 616436.

Submission:

Labcorp Genetics (formerly Invitae), Labcorp
Classification: Uncertain significance for Familial temporal lobe epilepsy 7; Norman-Roberts syndrome. Last evaluated: 2025-10-13. Review status: criteria provided, single submitter. Criteria: Invitae Variant Classification Sherloc (09022015). Collection method: clinical testing. Allele origin: germline.
Comment: This sequence change replaces proline, which is neutral and non-polar, with alanine, which is neutral and non-polar, at codon 821 of the RELN protein (p.Pro821Ala). This variant is not present in population databases (gnomAD no frequency). This variant has not been reported in the literature in individuals affected with RELN-related conditions. ClinVar contains an entry for this variant (Variation ID: 1385084). Invitae Evidence Modeling of protein sequence and biophysical properties (such as structural, functional, and spatial information, amino acid conservation, physicochemical variation, residue mobility, and thermodynamic stability) indicates that this missense variant is not expected to disrupt RELN protein function with a negative predictive value of 80%. In summary, the available evidence is currently insufficient to determine the role of this variant in disease. Therefore, it has been classified as a Variant of Uncertain Significance.

NM_005045.4(RELN):c.2461C>G (p.Pro821Ala)

Gene: RELN (reelin; minus strand). Cytogenetic location: 7q22.1.
Variant type: single nucleotide variant.
Coding change: c.2461C>G on transcript NM_005045.4 (MANE Select); coding-DNA position 2461, C replaced by G.
Protein change: p.Pro821Ala; replaces proline 821 with alanine.
Molecular consequence: missense variant.
Genome position (GRCh38, 1-based): chr7:103,635,429, G>C on the plus strand (C>G on the coding strand, the complement: RELN is on the minus strand). VCF-style: chr7-103635429-G-C. GRCh37 (hg19) VCF-style: chr7-103275876-G-C.
Other names: c.2461C>G, p.Pro821Ala (NM_173054.3); short protein forms P821A.
Identifiers: ClinVar variation 1385084 (VCV001385084.6), dbSNP rs988934092, ClinGen allele CA368759937.